The following is an entry in ClinVar:

NM_001395656.1(ROBO2):c.218C>G (p.Thr73Ser)

Gene: ROBO2 (roundabout guidance receptor 2; plus strand). Cytogenetic location: 3p12.3.
Variant type: single nucleotide variant.
Coding change: c.218C>G on transcript NM_001395656.1 (MANE Select); coding-DNA position 218, C replaced by G.
Protein change: p.Thr73Ser; replaces threonine 73 with serine.
Molecular consequence: missense variant. On other transcripts: 5 prime UTR variant (1).
Genome position (GRCh38, 1-based): chr3:77,098,170, C>G. VCF-style: chr3-77098170-C-G. GRCh37 (hg19) VCF-style: chr3-77147321-C-G.
Other names: c.266C>G, p.Thr89Ser (NM_001128929.3, NM_001378190.1, NM_001378191.1 and 5 more transcripts); c.218C>G, p.Thr73Ser (NM_001290039.2, NM_001290040.2, NM_001378193.1 and 3 more transcripts); c.-1701C>G (NM_001290065.2); c.287C>G, p.Thr96Ser (NM_001378192.1, NM_001378194.1, NM_001378198.1 and 5 more transcripts); short protein forms T73S, T96S, T89S.
Identifiers: ClinVar variation 899661 (VCV000899661.11), dbSNP rs141593508, ClinGen allele CA2496668.
Genomic context (GRCh38, chr3:77,098,170, plus strand): 5'-AGGCGGAGGGCCGGCCAACGCCCACCATTGAGTGGTACAAAGATGGGGAGCGAGTGGAGA[C>G]TGACAAGGACGATCCCCGGTCCCACAGGATGCTTCTGCCCAGCGGATCCTTATTCTTCTT-3'
Protein context (NP_001382585.1, residues 63-83): EWYKDGERVE[Thr73Ser]DKDDPRSHRM

ClinVar aggregate classification (germline): Uncertain significance. Review status: criteria provided, multiple submitters, no conflicts (2 of 4 stars). 3 submissions from 3 submitters: Uncertain significance (3). Last evaluated 2025-06-12.

Conditions:
Vesicoureteral reflux 2 (VUR2). Identifiers: Orphanet 289365, MedGen C1970483, MONDO:0012573, OMIM 610878.

Allele frequency attached by ClinVar (database versions not stated): ExAC 0.00001; gnomAD exomes 0.00004; gnomAD 0.00012 and 0.00013; TOPMed 0.00013.
gnomAD v4.1: 255 of 1,614,022 alleles (0.016%); highest among the groups gnomAD compares: Non-Finnish European, 0.018%; 1 homozygote.

Submissions (3):

Labcorp Genetics (formerly Invitae), Labcorp
Classification: Uncertain significance. Last evaluated: 2025-06-12. Review status: criteria provided, single submitter. Criteria: Invitae Variant Classification Sherloc (09022015). Collection method: clinical testing. Allele origin: germline.
Comment: This sequence change replaces threonine, which is neutral and polar, with serine, which is neutral and polar, at codon 73 of the ROBO2 protein (p.Thr73Ser). This variant is present in population databases (rs141593508, gnomAD 0.009%). This variant has not been reported in the literature in individuals affected with ROBO2-related conditions. ClinVar contains an entry for this variant (Variation ID: 899661). Invitae Evidence Modeling of protein sequence and biophysical properties (such as structural, functional, and spatial information, amino acid conservation, physicochemical variation, residue mobility, and thermodynamic stability) indicates that this missense variant is not expected to disrupt ROBO2 protein function with a negative predictive value of 95%. In summary, the available evidence is currently insufficient to determine the role of this variant in disease. Therefore, it has been classified as a Variant of Uncertain Significance.

Fulgent Genetics
Classification: Uncertain significance for Vesicoureteral reflux 2. Last evaluated: 2024-04-15. Review status: criteria provided, single submitter. Criteria: ACMG Guidelines, 2015. Collection method: clinical testing. Allele origin: germline.

Illumina Laboratory Services, Illumina
Classification: Uncertain significance for Vesicoureteral reflux 2. Last evaluated: 2018-01-12. Review status: criteria provided, single submitter. Criteria: ICSL Variant Classification Criteria 13 December 2019. Collection method: clinical testing. Allele origin: germline.